The following is an entry in ClinVar:

ClinVar aggregate classification (germline): Uncertain significance (1 of 4 stars; one submission).

Allele frequency attached by ClinVar (database versions not stated): ExAC 0.00001; gnomAD exomes 0.00001.
gnomAD v4.1: 3 of 1,613,890 alleles (0.00019%); highest among the groups gnomAD compares: Admixed American, 0.0033%; no homozygotes.

Submission:

Labcorp Genetics (formerly Invitae), Labcorp
Classification: Uncertain significance. Last evaluated: 2020-09-09. Review status: criteria provided, single submitter. Criteria: Invitae Variant Classification Sherloc (09022015). Collection method: clinical testing. Allele origin: germline.
Comment: This sequence change falls in intron 17 of the ACTN4 gene. It does not directly change the encoded amino acid sequence of the ACTN4 protein, but it affects a nucleotide within the consensus splice site of the intron. This variant is present in population databases (rs766483215, ExAC 0.009%). This variant has not been reported in the literature in individuals with ACTN4-related conditions. Nucleotide substitutions within the consensus splice site are a relatively common cause of aberrant splicing (PMID: 17576681, 9536098). In summary, the available evidence is currently insufficient to determine the role of this variant in disease. Therefore, it has been classified as a Variant of Uncertain Significance.

Literature cited by the submitters: PubMed 17576681; PubMed 9536098.

NM_004924.6(ACTN4):c.2191-3C>T

Gene: ACTN4 (actinin alpha 4; plus strand). Cytogenetic location: 19q13.2.
Variant type: single nucleotide variant.
Coding change: c.2191-3C>T on transcript NM_004924.6 (MANE Select); 3 bases into the intron before coding-DNA position 2191, C replaced by T.
Molecular consequence: intron variant.
Genome position (GRCh38, 1-based): chr19:38,726,954, C>T. VCF-style: chr19-38726954-C-T. GRCh37 (hg19) VCF-style: chr19-39217594-C-T.
Other names: c.2191-3C>T (NM_001322033.2).
Identifiers: ClinVar variation 1000511 (VCV001000511.7), dbSNP rs766483215, ClinGen allele CA9417926.